The following is an entry in ClinVar:

NM_004706.4(ARHGEF1):c.2353C>T (p.Leu785Phe)

Gene: ARHGEF1 (Rho guanine nucleotide exchange factor 1; plus strand). Cytogenetic location: 19q13.2.
Variant type: single nucleotide variant.
Coding change: c.2353C>T on transcript NM_004706.4 (MANE Select); coding-DNA position 2353, C replaced by T.
Protein change: p.Leu785Phe; replaces leucine 785 with phenylalanine.
Molecular consequence: missense variant. On other transcripts: non-coding transcript variant (2).
Genome position (GRCh38, 1-based): chr19:41,905,776, C>T. VCF-style: chr19-41905776-C-T. GRCh37 (hg19) VCF-style: chr19-42409928-C-T.
Other names: c.2521C>T, p.Leu841Phe (NM_001396000.1); c.2254C>T, p.Leu752Phe (NM_001396002.1, NM_001396004.1, NM_198977.2); c.2353C>T, p.Leu785Phe (NM_001396003.1, NM_001396006.1); c.2398C>T, p.Leu800Phe (NM_199002.2); short protein forms L752F, L785F, L800F, L841F.
Identifiers: ClinVar variation 1718176 (VCV001718176.5), dbSNP rs2513925151, ClinGen allele CA406067770.

ClinVar aggregate classification (germline): Uncertain significance (1 of 4 stars; one submission).

Submission:

Labcorp Genetics (formerly Invitae), Labcorp
Classification: Uncertain significance. Last evaluated: 2024-03-04. Review status: criteria provided, single submitter. Criteria: Invitae Variant Classification Sherloc (09022015). Collection method: clinical testing. Allele origin: germline.
Comment: This sequence change replaces leucine, which is neutral and non-polar, with phenylalanine, which is neutral and non-polar, at codon 800 of the ARHGEF1 protein (p.Leu800Phe). This variant is not present in population databases (gnomAD no frequency). This variant has not been reported in the literature in individuals affected with ARHGEF1-related conditions. ClinVar contains an entry for this variant (Variation ID: 1718176). An algorithm developed to predict the effect of missense changes on protein structure and function (PolyPhen-2) suggests that this variant is likely to be disruptive. In summary, the available evidence is currently insufficient to determine the role of this variant in disease. Therefore, it has been classified as a Variant of Uncertain Significance.